The following is an entry in ClinVar:

NM_030777.4(SLC2A10):c.313C>T (p.Arg105Cys)

Gene: SLC2A10 (solute carrier family 2 member 10; plus strand). Cytogenetic location: 20q13.12.
Variant type: single nucleotide variant.
Coding change: c.313C>T on transcript NM_030777.4 (MANE Select); coding-DNA position 313, C replaced by T.
Protein change: p.Arg105Cys; replaces arginine 105 with cysteine.
Molecular consequence: missense variant.
Genome position (GRCh38, 1-based): chr20:46,725,349, C>T. VCF-style: chr20-46725349-C-T. GRCh37 (hg19) VCF-style: chr20-45353988-C-T.
Other names: short protein forms R105C.
Identifiers: ClinVar variation 161104 (VCV000161104.57), dbSNP rs767864243, ClinGen allele CA249014.
Genomic context (GRCh38, chr20:46,725,349, plus strand): 5'-CTGCTGGCAGGCAGCCTGACCCTGGGCCTGGCTGGTTCCCTGGCCTGGCTGGTCCTGGGC[C>T]GCGCTGTGGTTGGCTTCGCCATTTCCCTCTCCTCCATGGCTTGCTGTATCTACGTGTCAG-3'
Protein context (NP_110404.1, residues 95-115): AGSLAWLVLG[Arg105Cys]AVVGFAISLS

ClinVar aggregate classification (germline): Pathogenic/Likely pathogenic. Review status: criteria provided, multiple submitters, no conflicts (2 of 4 stars). 10 submissions from 10 submitters: Pathogenic (2); Likely pathogenic (6). 2 of the submissions do not count toward it. Last evaluated 2026-01-11.

Conditions:
Familial aortopathy. Identifiers: MedGen CN078214.
Familial thoracic aortic aneurysm and aortic dissection (TAAD). Also called: Thoracic aortic aneurysms and dissections. Identifiers: Orphanet 91387, MedGen C4707243, MONDO:0019625.
Arterial tortuosity syndrome (ATORS). Identifiers: Orphanet 3342, MedGen C1859726, MONDO:0008818, OMIM 208050.

Allele frequency attached by ClinVar (database versions not stated): ExAC 0.00002; TOPMed 0.00006; gnomAD 0.00005 and 0.00004; gnomAD exomes 0.00003 and 0.00002.
gnomAD v4.1: 43 of 1,613,944 alleles (0.0027%); highest among the groups gnomAD compares: Admixed American, 0.01%; no homozygotes.

Submissions (10):

Labcorp Genetics (formerly Invitae), Labcorp
Classification: Pathogenic for Arterial tortuosity syndrome. Last evaluated: 2026-01-11. Review status: criteria provided, single submitter. Criteria: Invitae Variant Classification Sherloc (09022015). Collection method: clinical testing. Allele origin: germline.
Comment: This sequence change replaces arginine, which is basic and polar, with cysteine, which is neutral and slightly polar, at codon 105 of the SLC2A10 protein (p.Arg105Cys). This variant is present in population databases (rs767864243, gnomAD 0.009%). This missense change has been observed in individuals with clinical features of arterial tortuosity syndrome (PMID: 18774132, 28726533; internal data). ClinVar contains an entry for this variant (Variation ID: 161104). Invitae Evidence Modeling of protein sequence and biophysical properties (such as structural, functional, and spatial information, amino acid conservation, physicochemical variation, residue mobility, and thermodynamic stability) indicates that this missense variant is expected to disrupt SLC2A10 protein function with a positive predictive value of 95%. This variant disrupts the p.Arg105 amino acid residue in SLC2A10. Other variant(s) that disrupt this residue have been observed in individuals with SLC2A10-related conditions (PMID: 28726533), which suggests that this may be a clinically significant amino acid residue. For these reasons, this variant has been classified as Pathogenic.

Shaine Morris Lab, Baylor College of Medicine
Classification: Likely pathogenic for Arterial tortuosity syndrome. Last evaluated: 2025-03-05. Review status: criteria provided, single submitter. Criteria: ACMG Guidelines, 2015. Collection method: clinical testing. Allele origin: biparental, inherited. Inheritance: Autosomal recessive inheritance. Affected: yes. Observed: 1 homozygote.
Comment: We are submitting the c.313C>T variant in the SLC2A10 gene, located in exon 2, which results in the p.Arg105Cys amino acid substitution. This missense variant is suspected to cause a change in protein function, potentially disrupting the normal function of the protein. The variant has been previously described in the literature (PMID 18774132 and 28726533) and classified as likely pathogenic or pathogenic in ClinVar. Based on the clinical and molecular evidence in our study, we are submitting it as pathogenic. Supporting Evidence for Classification: We assigned the following criteria to this variant: PP3: In silico predictions, including a REVEL score of 0.889, indicate that the p.Arg105Cys substitution likely has a damaging impact on protein function. PP4: Two patients in our study exhibit clinical features consistent with ATS. Both patients display characteristic features of ATS. PP5: The variant has been previously reported in the literature (PMID 18774132 and 28726533), reinforcing its association with ATS. PM2: The variant is rare in the general population, with a minor allele frequency (MAF) of 2.53E-05 in gnomAD, supporting its pathogenic potential. PM3: In our study, the p.Arg105Cys variant was found in two affected individuals, one of whom is compound heterozygous and the other homozygous for the variant. This provides evidence for the variant’s role in disease, as it is present in both compound heterozygous and homozygous states in individuals with ATS. In conclusion, the c.313C>T (p.Arg105Cys) variant in SLC2A10 is classified as pathogenic based on strong clinical, molecular, and computational evidence.

Institute of Human Genetics, Heidelberg University
Classification: Likely pathogenic for Arterial tortuosity syndrome. Last evaluated: 2024-04-26. Review status: criteria provided, single submitter. Criteria: ACMG Guidelines, 2015. Collection method: clinical testing. Allele origin: maternal. Affected: yes.

Women's Health and Genetics/Laboratory Corporation of America, LabCorp
Classification: Likely pathogenic for Familial aortopathy. Last evaluated: 2024-03-18. Review status: criteria provided, single submitter. Criteria: LabCorp Variant Classification Summary - May 2015. Collection method: clinical testing. Allele origin: germline.
Comment: Variant summary: SLC2A10 c.313C>T (p.Arg105Cys) results in a non-conservative amino acid change located in the Major facilitator superfamily domain (IPR020846) of the encoded protein sequence. Five of five in-silico tools predict a damaging effect of the variant on protein function. The variant allele was found at a frequency of 2.4e-05 in 250838 control chromosomes (gnomAD). c.313C>T has been reported in the literature in individuals affected with clinical features of arterial tortuosity (examples: Faiyaz-Ul-Haque_2009, Hardin_2018). These data indicate that the variant may be associated with disease. A different variant affecting this residue has been classified Pathogenic in ClinVar (CV ID 213726), which suggests that this may be a clinically significant amino acid. To our knowledge, no experimental evidence demonstrating an impact on protein function has been reported. The following publications have been ascertained in the context of this evaluation (PMID: 28726533, 18774132). ClinVar contains an entry for this variant (Variation ID: 161104). Based on the evidence outlined above, the variant was classified as likely pathogenic.

Fulgent Genetics
Classification: Likely pathogenic for Arterial tortuosity syndrome. Last evaluated: 2024-03-16. Review status: criteria provided, single submitter. Criteria: ACMG Guidelines, 2015. Collection method: clinical testing. Allele origin: germline.

CeGaT Center for Human Genetics Tuebingen
Classification: Likely pathogenic. Last evaluated: 2019-05-01. Review status: criteria provided, single submitter. Criteria: CeGaT Center For Human Genetics Tuebingen Variant Classification Criteria Version 2. Collection method: clinical testing. Allele origin: germline. Affected: yes. Observed: 1 variant allele.

Ambry Genetics
Classification: Pathogenic for Familial thoracic aortic aneurysm and aortic dissection. Last evaluated: 2015-05-08. Review status: criteria provided, single submitter. Criteria: Ambry General Variant Classification Scheme_2022. Collection method: clinical testing. Allele origin: germline. Observed: 1 variant allele.
Comment: The p.R105C pathogenic mutation (also known as c.313C>T), located in coding exon 2 of the SLC2A10 gene, results from a C to T substitution at nucleotide position 313. The arginine at codon 105 is replaced by cysteine, an amino acid with highly dissimilar properties. This alteration has also been reported in a second individual with ATS in the compound heterozygous state with the recurrent SLC2A10 nonsense mutation p.G445Efs*40 (Hardin JS et al. Ophthalmic Genet. 2018;39:29-34). Based on the supporting evidence, this alteration is interpreted as a disease-causing mutation.

Baylor Genetics
Classification: Likely pathogenic for Arterial tortuosity syndrome. Review status: criteria provided, single submitter. Criteria: ACMG Guidelines, 2015. Collection method: clinical testing. Allele origin: unknown.

GeneReviews
No classification provided. Condition: Arterial tortuosity syndrome. Review status: no classification provided. Collection method: literature only. Allele origin: germline. Affected: yes. Not counted in ClinVar's aggregate classification.

Genomic Diagnostic Laboratory, Division of Genomic Diagnostics, Children's Hospital of Philadelphia
Classification: Uncertain significance. Last evaluated: 2015-06-25. Review status: flagged submission. Criteria: DGD Variant Analysis Guidelines. Collection method: clinical testing. Allele origin: unknown. Not counted in ClinVar's aggregate classification.
ClinVar note: Reason: Older and outlier claim with insufficient supporting evidence

Literature cited by the submitters: PubMed 18774132 (cited by 5 submitters); PubMed 28726533 (cited by 4 submitters); PubMed 29323665 (cited by Shaine Morris Lab, Baylor College of Medicine); NCBI Bookshelf NBK253404 (cited by GeneReviews).